The following is an entry in ClinVar:

NM_173598.6(KSR2):c.2359C>T (p.Leu787Phe)

Gene: KSR2 (kinase suppressor of ras 2; minus strand). Cytogenetic location: 12q24.22.
Variant type: single nucleotide variant.
Coding change: c.2359C>T on transcript NM_173598.6 (MANE Select); coding-DNA position 2359, C replaced by T.
Protein change: p.Leu787Phe; replaces leucine 787 with phenylalanine.
Molecular consequence: missense variant.
Genome position (GRCh38, 1-based): chr12:117,484,507, G>A on the plus strand (C>T on the coding strand, the complement: KSR2 is on the minus strand). VCF-style: chr12-117484507-G-A. GRCh37 (hg19) VCF-style: chr12-117922312-G-A.
Other names: short protein forms L787F.
Identifiers: ClinVar variation 4996966 (VCV004996966.1).

ClinVar aggregate classification (germline): Uncertain significance (1 of 4 stars; one submission).

Conditions:
KSR2-related disorder. Also called: KSR2-related condition.

Submission:

PreventionGenetics, part of Exact Sciences
Classification: Uncertain significance for KSR2-related condition. Last evaluated: 2024-11-15. Review status: criteria provided, single submitter. Criteria: ACMG Guidelines, 2015. Collection method: clinical testing. Allele origin: germline.
Comment: The KSR2 c.2272C>T variant is predicted to result in the amino acid substitution p.Leu758Phe. To our knowledge, this variant has not been reported in the literature or in a large population database (gnomAD), indicating this variant is rare. At this time, the clinical significance of this variant is uncertain due to the absence of conclusive functional and genetic evidence.